The following is an entry in ClinVar:

ClinVar aggregate classification (germline): Uncertain significance (1 of 4 stars; one submission).

Submission:

Labcorp Genetics (formerly Invitae), Labcorp
Classification: Uncertain significance. Last evaluated: 2024-08-18. Review status: criteria provided, single submitter. Criteria: Invitae Variant Classification Sherloc (09022015). Collection method: clinical testing. Allele origin: germline.
Comment: This sequence change replaces phenylalanine, which is neutral and non-polar, with leucine, which is neutral and non-polar, at codon 1947 of the CACNA1E protein (p.Phe1947Leu). This variant is not present in population databases (gnomAD no frequency). This variant has not been reported in the literature in individuals affected with CACNA1E-related conditions. Invitae Evidence Modeling of protein sequence and biophysical properties (such as structural, functional, and spatial information, amino acid conservation, physicochemical variation, residue mobility, and thermodynamic stability) indicates that this missense variant is not expected to disrupt CACNA1E protein function with a negative predictive value of 95%. In summary, the available evidence is currently insufficient to determine the role of this variant in disease. Therefore, it has been classified as a Variant of Uncertain Significance.

NM_001205293.3(CACNA1E):c.5841C>A (p.Phe1947Leu)

Gene: CACNA1E (calcium voltage-gated channel subunit alpha1 E; plus strand). Cytogenetic location: 1q25.3.
Variant type: single nucleotide variant.
Coding change: c.5841C>A on transcript NM_001205293.3 (MANE Select); coding-DNA position 5841, C replaced by A.
Protein change: p.Phe1947Leu; replaces phenylalanine 1947 with leucine.
Molecular consequence: missense variant.
Genome position (GRCh38, 1-based): chr1:181,790,499, C>A. VCF-style: chr1-181790499-C-A. GRCh37 (hg19) VCF-style: chr1-181759635-C-A.
Other names: c.5841C>A, p.Phe1947Leu (NM_000721.4); c.5784C>A, p.Phe1928Leu (NM_001205294.2); short protein forms F1947L, F1928L.
Identifiers: ClinVar variation 3633690 (VCV003633690.2).
Genomic context (GRCh38, chr1:181,790,499, plus strand): 5'-TTTCAGGAGTGGCCGGAGTGGATACCCTTCGATGAGTCCACTCTCTCCCCAGGATATATT[C>A]CAGTTGGCTTGTATGGACCCCGCCGATGACGGACAGTTCCAAGAACGGCAGTCTCTGGTG-3'
Protein context (NP_001192222.1, residues 1937-1957): SMSPLSPQDI[Phe1947Leu]QLACMDPADD